The following is an entry in ClinVar:

ClinVar aggregate classification (germline): Uncertain significance. Review status: criteria provided, multiple submitters, no conflicts (2 of 4 stars). 2 submissions from 2 submitters: Uncertain significance (2). Last evaluated 2025-03-03.

Conditions:
Early-infantile DEE. Also called: Ohtahara syndrome; Early infantile epileptic encephalopathy with suppression bursts; Early infantile epileptic encephalopathy. Identifiers: Orphanet 1934, MedGen C0393706, MONDO:0800491.

Submissions (2):

GeneDx
Classification: Uncertain significance. Last evaluated: 2025-03-03. Review status: criteria provided, single submitter. Criteria: GeneDx Variant Classification Process June 2021. Collection method: clinical testing. Allele origin: germline. Affected: yes.
Comment: Not observed at significant frequency in large population cohorts (gnomAD); In silico analysis supports that this missense variant has a deleterious effect on protein structure/function; Has not been previously published as pathogenic or benign to our knowledge; This substitution is predicted to be within the cytoplasmic loop between the second and third homologous domains

Labcorp Genetics (formerly Invitae), Labcorp
Classification: Uncertain significance for Early-infantile DEE. Last evaluated: 2024-01-03. Review status: criteria provided, single submitter. Criteria: Invitae Variant Classification Sherloc (09022015). Collection method: clinical testing. Allele origin: germline.
Comment: This sequence change replaces aspartic acid, which is acidic and polar, with histidine, which is basic and polar, at codon 1078 of the SCN1A protein (p.Asp1078His). This variant is not present in population databases (gnomAD no frequency). This variant has not been reported in the literature in individuals affected with SCN1A-related conditions. Advanced modeling of protein sequence and biophysical properties (such as structural, functional, and spatial information, amino acid conservation, physicochemical variation, residue mobility, and thermodynamic stability) performed at Invitae indicates that this missense variant is not expected to disrupt SCN1A protein function with a negative predictive value of 95%. In summary, the available evidence is currently insufficient to determine the role of this variant in disease. Therefore, it has been classified as a Variant of Uncertain Significance.

NM_001165963.4(SCN1A):c.3232G>C (p.Asp1078His)

Genes: SCN1A (sodium voltage-gated channel alpha subunit 1; minus strand), LOC102724058 (uncharacterized LOC102724058; plus strand). Cytogenetic location: 2q24.3.
Variant type: single nucleotide variant.
Coding change: c.3232G>C on transcript NM_001165963.4 (MANE Select); coding-DNA position 3232, G replaced by C.
Protein change: p.Asp1078His; replaces aspartic acid 1078 with histidine.
Molecular consequence: missense variant. On other transcripts: non-coding transcript variant (2).
Genome position (GRCh38, 1-based): chr2:166,036,245, C>G on the plus strand (G>C on the coding strand, the complement: SCN1A is on the minus strand). VCF-style: chr2-166036245-C-G. GRCh37 (hg19) VCF-style: chr2-166892755-C-G.
Other names: c.3148G>C, p.Asp1050His (NM_001165964.3, NM_001353957.2, NM_001353958.2); c.3232G>C, p.Asp1078His (NM_001202435.3, NM_001353948.2); c.3199G>C, p.Asp1067His (NM_001353949.2, NM_001353950.2, NM_001353951.2 and 2 more transcripts); c.3196G>C, p.Asp1066His (NM_001353954.2, NM_001353955.2); c.3145G>C, p.Asp1049His (NM_001353960.2); c.790G>C, p.Asp264His (NM_001353961.2); c.3232G>C (NM_001165963.1); short protein forms D1049H, D1050H, D1066H, D1078H, D264H, D1067H.
Identifiers: ClinVar variation 2697732 (VCV002697732.4), dbSNP rs2468077456, ClinGen allele CA349059513.
Genomic context (GRCh38, chr2:166,036,245, plus strand): 5'-CAATAATGTATTTTTCAACACTGCTGCCAGTTCCTATACCACTTGTAGTTCCATTTACAT[C>G]TTTAAGATAGTCAAGATCTTTCCCAATTTCTGCTGTATGATTGGACATACAACTGTCTTT-3'
Protein context (NP_001159435.1, residues 1068-1088): EIGKDLDYLK[Asp1078His]VNGTTSGIGT